The following is an entry in ClinVar:

NM_001367823.1(ARHGEF18):c.1855+6C>T

Gene: ARHGEF18 (Rho/Rac guanine nucleotide exchange factor 18; plus strand). Cytogenetic location: 19p13.2.
Variant type: single nucleotide variant.
Coding change: c.1855+6C>T on transcript NM_001367823.1 (MANE Select); 6 bases into the intron after coding-DNA position 1855, C replaced by T.
Molecular consequence: intron variant.
Genome position (GRCh38, 1-based): chr19:7,451,272, C>T. VCF-style: chr19-7451272-C-T. GRCh37 (hg19) VCF-style: chr19-7516158-C-T.
Other names: c.817+6C>T (NM_001367824.1, NM_015318.4); c.1129+6C>T (NM_001130955.2).
Identifiers: ClinVar variation 963532 (VCV000963532.7), dbSNP rs1037763099, ClinGen allele CA9136636.

ClinVar aggregate classification (germline): Uncertain significance (1 of 4 stars; one submission).

Allele frequency attached by ClinVar (database versions not stated): gnomAD 0.00001; gnomAD exomes 0.00001 and 0.00002; ExAC 0.00002; TOPMed 0.00002.
gnomAD v4.1: 10 of 1,612,900 alleles (0.00062%); highest among the groups gnomAD compares: Admixed American, 0.013%; no homozygotes.

Submission:

Labcorp Genetics (formerly Invitae), Labcorp
Classification: Uncertain significance. Last evaluated: 2022-10-25. Review status: criteria provided, single submitter. Criteria: Invitae Variant Classification Sherloc (09022015). Collection method: clinical testing. Allele origin: germline.
Comment: This sequence change falls in intron 6 of the ARHGEF18 gene. It does not directly change the encoded amino acid sequence of the ARHGEF18 protein. It affects a nucleotide within the consensus splice site. This variant is present in population databases (no rsID available, gnomAD 0.02%). This variant has not been reported in the literature in individuals affected with ARHGEF18-related conditions. ClinVar contains an entry for this variant (Variation ID: 963532). Variants that disrupt the consensus splice site are a relatively common cause of aberrant splicing (PMID: 17576681, 9536098). Algorithms developed to predict the effect of sequence changes on RNA splicing suggest that this variant is not likely to affect RNA splicing. In summary, the available evidence is currently insufficient to determine the role of this variant in disease. Therefore, it has been classified as a Variant of Uncertain Significance.

Literature cited by the submitters: PubMed 17576681; PubMed 9536098.